The following is an entry in ClinVar:

NM_000426.4(LAMA2):c.781A>T (p.Lys261Ter)

Gene: LAMA2 (laminin subunit alpha 2; plus strand). Cytogenetic location: 6q22.33.
Variant type: single nucleotide variant.
Coding change: c.781A>T on transcript NM_000426.4 (MANE Select); coding-DNA position 781, A replaced by T.
Protein change: p.Lys261Ter; replaces lysine 261 with a stop codon.
Molecular consequence: nonsense.
Genome position (GRCh38, 1-based): chr6:129,144,042, A>T. VCF-style: chr6-129144042-A-T. GRCh37 (hg19) VCF-style: chr6-129465187-A-T.
Other names: c.781A>T, p.Lys261Ter (NM_001079823.2); short protein forms K261*.
Identifiers: ClinVar variation 983906 (VCV000983906.4), dbSNP rs781316719, ClinGen allele CA365606167.
Genomic context (GRCh38, chr6:129,144,042, plus strand): 5'-ATTCGCCTGAGATTTCAGAGGATCCGCACACTGAATGCTGACTTGATGATGTTTGCTCAC[A>T]AAGACCCAAGAGAAATTGACCCCATTGTCACCAGAAGAGTAAGTTATGATGAATCATATT-3'

ClinVar aggregate classification (germline): Likely pathogenic (1 of 4 stars; one submission).

Conditions:
LAMA2-related muscular dystrophy (LAMA2-RD). Also called: Laminin alpha 2-related dystrophy. Identifiers: MedGen C5679788, MONDO:0100228.

Submission:

Myriad Genetics, Inc.
Classification: Likely pathogenic for LAMA2-related muscular dystrophy. Last evaluated: 2020-01-25. Review status: criteria provided, single submitter. Criteria: Myriad Autosomal Dominant, Autosomal Recessive and X-Linked Classification Criteria (2023). Collection method: clinical testing. Allele origin: unknown.
Comment: NM_000426.3(LAMA2):c.781A>T(K261*) is expected to be pathogenic in the context of LAMA2-related muscular dystrophy. This variant is predicted to lead to an abnormal or absent protein product due to the creation of a premature termination codon in LAMA2, a gene where loss-of-function variants are known to be pathogenic. Please note: this variant was assessed in the context of healthy population screening.